The following is an entry in ClinVar:

ClinVar aggregate classification (germline): Pathogenic (1 of 4 stars; one submission).

Conditions:
Ataxia-telangiectasia syndrome (AT). Also called: Cerebello-oculocutaneous telangiectasia; Immunodeficiency with ataxia telangiectasia; AT, COMPLEMENTATION GROUP C; Ataxia-telangiectasia, complementation group E; LOUIS-BAR SYNDROME; ATAXIA-TELANGIECTASIA, COMPLEMENTATION GROUP A. Identifiers: Orphanet 100, MedGen C0004135, MONDO:0008840, OMIM 208900.

Submission:

Labcorp Genetics (formerly Invitae), Labcorp
Classification: Pathogenic for Ataxia-telangiectasia syndrome. Last evaluated: 2021-07-15. Review status: criteria provided, single submitter. Criteria: Invitae Variant Classification Sherloc (09022015). Collection method: clinical testing. Allele origin: germline.
Comment: This sequence change creates a premature translational stop signal (p.Val997Glufs*2) in the ATM gene. It is expected to result in an absent or disrupted protein product. Loss-of-function variants in ATM are known to be pathogenic (PMID: 23807571, 25614872). This variant is not present in population databases (ExAC no frequency). This variant has not been reported in the literature in individuals affected with ATM-related conditions. For these reasons, this variant has been classified as Pathogenic.

Literature cited by the submitters: PubMed 23807571; PubMed 25614872.

NM_000051.4(ATM):c.2990del (p.Val997fs)

Gene: ATM (ATM serine/threonine kinase; plus strand). Cytogenetic location: 11q22.3.
Variant type: Deletion.
Coding change: c.2990del on transcript NM_000051.4 (MANE Select); coding-DNA position 2990, one base deleted (T; older notation c.2990delT).
Protein change: p.Val997fs; shifts the reading frame from valine 997.
Molecular consequence: frameshift variant.
Genome position (GRCh38, 1-based): chr11:108,271,319, T deleted. VCF-style (leftmost placement, unchanged base first): chr11-108271318-GT-G. GRCh37 (hg19) VCF-style: chr11-108142045-GT-G.
Other names: c.2990del, p.Val997fs (NM_001351834.2); short protein forms V997fs.
Identifiers: ClinVar variation 1368829 (VCV001368829.6), dbSNP rs2135552978, ClinGen allele CA2573146588.